The following is an entry in ClinVar:

NM_001004334.4(GPR179):c.6404C>G (p.Ala2135Gly)

Gene: GPR179 (G protein-coupled receptor 179; minus strand). Cytogenetic location: 17q12.
Variant type: single nucleotide variant.
Coding change: c.6404C>G on transcript NM_001004334.4 (MANE Select); coding-DNA position 6404, C replaced by G.
Protein change: p.Ala2135Gly; replaces alanine 2135 with glycine.
Molecular consequence: missense variant.
Genome position (GRCh38, 1-based): chr17:38,327,165, G>C on the plus strand (C>G on the coding strand, the complement: GPR179 is on the minus strand). VCF-style: chr17-38327165-G-C. GRCh37 (hg19) VCF-style: chr17-36483048-G-C.
Other names: short protein forms A2135G.
Identifiers: ClinVar variation 2092482 (VCV002092482.4), dbSNP rs577578718, ClinGen allele CA398869513.

ClinVar aggregate classification (germline): Uncertain significance (1 of 4 stars; one submission).

Submission:

Labcorp Genetics (formerly Invitae), Labcorp
Classification: Uncertain significance. Last evaluated: 2022-02-03. Review status: criteria provided, single submitter. Criteria: Invitae Variant Classification Sherloc (09022015). Collection method: clinical testing. Allele origin: germline.
Comment: This sequence change replaces alanine, which is neutral and non-polar, with glycine, which is neutral and non-polar, at codon 2135 of the GPR179 protein (p.Ala2135Gly). This variant is not present in population databases (gnomAD no frequency). This variant has not been reported in the literature in individuals affected with GPR179-related conditions. Algorithms developed to predict the effect of missense changes on protein structure and function (SIFT, PolyPhen-2, Align-GVGD) all suggest that this variant is likely to be tolerated. In summary, the available evidence is currently insufficient to determine the role of this variant in disease. Therefore, it has been classified as a Variant of Uncertain Significance.